The following is an entry in ClinVar:

NM_058216.3(RAD51C):c.145+1023A>G

Gene: RAD51C (RAD51 paralog C; plus strand). Cytogenetic location: 17q22.
Variant type: single nucleotide variant.
Coding change: c.145+1023A>G on transcript NM_058216.3 (MANE Select); 1023 bases into the intron after coding-DNA position 145, A replaced by G.
Molecular consequence: intron variant.
Genome position (GRCh38, 1-based): chr17:58,693,811, A>G. VCF-style: chr17-58693811-A-G. GRCh37 (hg19) VCF-style: chr17-56771172-A-G.
Other names: c.145+1023A>G (NM_002876.4).
Identifiers: ClinVar variation 3942365 (VCV003942365.1).

ClinVar aggregate classification (germline): Uncertain significance (1 of 4 stars; one submission).

Conditions:
Hereditary cancer-predisposing syndrome. Also called: Tumor predisposition; Hereditary neoplastic syndrome; Hereditary Cancer Syndrome; Neoplastic Syndromes, Hereditary. Identifiers: Orphanet 140162, MedGen C0027672, MeSH D009386, MONDO:0015356.

gnomAD v4.1: 2 of 152,246 alleles (0.0013%); highest among the groups gnomAD compares: African/African-American, 0.0024%; no homozygotes.

Submission:

Ambry Genetics
Classification: Uncertain significance for Hereditary cancer-predisposing syndrome. Last evaluated: 2025-04-28. Review status: criteria provided, single submitter. Criteria: Ambry Variant Classification Scheme 2023. Collection method: clinical testing. Allele origin: germline.
Comment: The c.145+1023A>G intronic variant results from an A to G substitution 1023 nucleotides after coding exon 1 in the RAD51C gene. This nucleotide position is well conserved in available vertebrate species. In silico splice site analysis predicts that this alteration will result in the creation or strengthening of a novel splice donor site; however, direct evidence is insufficient at this time (Ambry internal data). Based on the available evidence, the clinical significance of this variant remains unclear.